The following is an entry in ClinVar:

ClinVar aggregate classification (germline): Uncertain significance (1 of 4 stars; one submission).

Conditions:
Cardiovascular phenotype. Identifiers: MedGen CN230736.

gnomAD v4.1: 2 of 1,341,176 alleles (0.00015%); highest among the groups gnomAD compares: Non-Finnish European, 0.00019%; no homozygotes.

Submission:

Ambry Genetics
Classification: Uncertain significance for Cardiovascular phenotype. Last evaluated: 2026-02-19. Review status: criteria provided, single submitter. Criteria: Ambry Variant Classification Scheme 2023. Collection method: clinical testing. Allele origin: germline.
Comment: The p.A341S variant (also known as c.1021G>T), located in coding exon 8 of the TBX1 gene, results from a G to T substitution at nucleotide position 1021. The alanine at codon 341 is replaced by serine, an amino acid with similar properties. This amino acid position is conserved. In addition, this alteration is predicted to be tolerated by in silico analysis. Based on the available evidence, the clinical significance of this variant remains unclear.

NM_001379200.1(TBX1):c.1048G>T (p.Ala350Ser)

Gene: TBX1 (T-box transcription factor 1; plus strand). Cytogenetic location: 22q11.21.
Variant type: single nucleotide variant.
Coding change: c.1048G>T on transcript NM_001379200.1 (MANE Select); coding-DNA position 1048, G replaced by T.
Protein change: p.Ala350Ser; replaces alanine 350 with serine.
Molecular consequence: missense variant. On other transcripts: intron variant (2).
Genome position (GRCh38, 1-based): chr22:19,766,400, G>T. VCF-style: chr22-19766400-G-T. GRCh37 (hg19) VCF-style: chr22-19753923-G-T.
Other names: c.1021G>T, p.Ala341Ser (NM_080647.1); c.1009+398G>T (NM_005992.1, NM_080646.2); short protein forms A341S, A350S.
Identifiers: ClinVar variation 4826473 (VCV004826473.1).